The following is an entry in ClinVar:

NM_018027.5(FRMD4A):c.2151G>A (p.Lys717=)

Gene: FRMD4A (FERM domain containing 4A; minus strand). Cytogenetic location: 10p13.
Variant type: single nucleotide variant.
Coding change: c.2151G>A on transcript NM_018027.5 (MANE Select); coding-DNA position 2151, G replaced by A.
Protein change: p.Lys717=; no amino-acid change (lysine 717 retained).
Molecular consequence: synonymous variant.
Genome position (GRCh38, 1-based): chr10:13,657,438, C>T on the plus strand (G>A on the coding strand, the complement: FRMD4A is on the minus strand). VCF-style: chr10-13657438-C-T. GRCh37 (hg19) VCF-style: chr10-13699438-C-T.
Other names: c.2199G>A, p.Lys733= (NM_001318336.2); c.2250G>A, p.Lys750= (NM_001318337.2); c.1224G>A, p.Lys408= (NM_001318338.2).
Identifiers: ClinVar variation 735148 (VCV000735148.5), dbSNP rs145831455, ClinGen allele CA5414103.

ClinVar aggregate classification (germline): Likely benign. Review status: criteria provided, single submitter (1 of 4 stars). 2 submissions from 2 submitters: Likely benign (1). 1 of the submissions does not count toward it. Last evaluated 2018-02-02.

Conditions:
FRMD4A-related disorder. Also called: FRMD4A-related condition.

Allele frequency attached by ClinVar (database versions not stated): 1000 Genomes Project 30x 0.00016; 1000 Genomes Project 0.00020; ExAC 0.00054; gnomAD exomes 0.00057 and 0.00117; gnomAD 0.00064 and 0.00070; TOPMed 0.00070; ESP Exome Variant Server 0.00077.
gnomAD v4.1: 1,772 of 1,612,610 alleles (0.11%); highest among the groups gnomAD compares: Non-Finnish European, 0.14%; 1 homozygote.

Submissions (2):

Labcorp Genetics (formerly Invitae), Labcorp
Classification: Likely benign. Last evaluated: 2018-02-02. Review status: criteria provided, single submitter. Criteria: Invitae Variant Classification Sherloc (09022015). Collection method: clinical testing. Allele origin: germline.

PreventionGenetics, part of Exact Sciences
Classification: Likely benign for FRMD4A-related condition. Last evaluated: 2019-06-25. Review status: no assertion criteria provided. Collection method: clinical testing. Allele origin: germline. Not counted in ClinVar's aggregate classification.
Comment: This variant is classified as likely benign based on ACMG/AMP sequence variant interpretation guidelines (Richards et al. 2015 PMID: 25741868, with internal and published modifications).